The following is an entry in ClinVar:

NM_001130009.3(GEN1):c.2270C>G (p.Ser757Cys)

Gene: GEN1 (GEN1 Holliday junction 5' flap endonuclease; plus strand). Cytogenetic location: 2p24.2.
Variant type: single nucleotide variant.
Coding change: c.2270C>G on transcript NM_001130009.3 (MANE Select); coding-DNA position 2270, C replaced by G.
Protein change: p.Ser757Cys; replaces serine 757 with cysteine.
Molecular consequence: missense variant.
Genome position (GRCh38, 1-based): chr2:17,781,482, C>G. VCF-style: chr2-17781482-C-G. GRCh37 (hg19) VCF-style: chr2-17962749-C-G.
Other names: c.2270C>G, p.Ser757Cys (NM_182625.5); short protein forms S757C.
Identifiers: ClinVar variation 3853620 (VCV003853620.1).

ClinVar aggregate classification (germline): Uncertain significance (1 of 4 stars; one submission).

Submission:

Ambry Genetics
Classification: Uncertain significance. Last evaluated: 2025-03-08. Review status: criteria provided, single submitter. Criteria: Ambry Variant Classification Scheme 2023. Collection method: clinical testing. Allele origin: germline.
Comment: The p.S757C variant (also known as c.2270C>G), located in coding exon 13 of the GEN1 gene, results from a C to G substitution at nucleotide position 2270. The serine at codon 757 is replaced by cysteine, an amino acid with dissimilar properties. This amino acid position is conserved. In addition, this alteration is predicted to be tolerated by in silico analysis. Based on the available evidence, the clinical significance of this variant remains unclear.